The following is an entry in ClinVar:

NM_005529.7(HSPG2):c.7210G>A (p.Glu2404Lys)

Gene: HSPG2 (heparan sulfate proteoglycan 2; minus strand). Cytogenetic location: 1p36.12.
Variant type: single nucleotide variant.
Coding change: c.7210G>A on transcript NM_005529.7 (MANE Select); coding-DNA position 7210, G replaced by A.
Protein change: p.Glu2404Lys; replaces glutamic acid 2404 with lysine.
Molecular consequence: missense variant.
Genome position (GRCh38, 1-based): chr1:21,850,447, C>T on the plus strand (G>A on the coding strand, the complement: HSPG2 is on the minus strand). VCF-style: chr1-21850447-C-T. GRCh37 (hg19) VCF-style: chr1-22176940-C-T.
Other names: c.7213G>A, p.Glu2405Lys (NM_001291860.2); c.7210G>A (NM_005529.6); short protein forms E2405K, E2404K.
Identifiers: ClinVar variation 1419944 (VCV001419944.7), dbSNP rs139284792, ClinGen allele CA671270.

ClinVar aggregate classification (germline): Uncertain significance. Review status: criteria provided, multiple submitters, no conflicts (2 of 4 stars). 3 submissions from 3 submitters: Uncertain significance (3). Last evaluated 2024-10-24.

Conditions:
HSPG2-related disorder. Also called: HSPG2-related disorders; HSPG2-related condition.

Allele frequency attached by ClinVar (database versions not stated): gnomAD exomes 0.00001; ExAC 0.00002; gnomAD 0.00002; TOPMed 0.00004; ESP Exome Variant Server 0.00008.
gnomAD v4.1: 12 of 1,611,654 alleles (0.00074%); highest among the groups gnomAD compares: African/African-American, 0.0093%; no homozygotes.

Submissions (3):

Labcorp Genetics (formerly Invitae), Labcorp
Classification: Uncertain significance. Last evaluated: 2024-10-24. Review status: criteria provided, single submitter. Criteria: Invitae Variant Classification Sherloc (09022015). Collection method: clinical testing. Allele origin: germline.
Comment: This sequence change replaces glutamic acid, which is acidic and polar, with lysine, which is basic and polar, at codon 2404 of the HSPG2 protein (p.Glu2404Lys). This variant is present in population databases (rs139284792, gnomAD 0.004%). This variant has not been reported in the literature in individuals affected with HSPG2-related conditions. ClinVar contains an entry for this variant (Variation ID: 1419944). An algorithm developed to predict the effect of missense changes on protein structure and function (PolyPhen-2) suggests that this variant is likely to be disruptive. In summary, the available evidence is currently insufficient to determine the role of this variant in disease. Therefore, it has been classified as a Variant of Uncertain Significance.

PreventionGenetics, part of Exact Sciences
Classification: Uncertain significance for HSPG2-related condition. Last evaluated: 2023-02-27. Review status: criteria provided, single submitter. Criteria: ACMG Guidelines, 2015. Collection method: clinical testing. Allele origin: germline.
Comment: The HSPG2 c.7210G>A variant is predicted to result in the amino acid substitution p.Glu2404Lys. To our knowledge, this variant has not been reported in the literature. This variant is reported in 0.0082% of alleles in individuals of African descent in gnomAD. At this time, the clinical significance of this variant is uncertain due to the absence of conclusive functional and genetic evidence.

Blueprint Genetics
Classification: Uncertain significance. Last evaluated: 2020-02-05. Review status: criteria provided, single submitter. Criteria: ACMG Guidelines, 2015. Collection method: clinical testing. Allele origin: germline.